The following is an entry in ClinVar:

ClinVar aggregate classification (germline): Pathogenic/Likely pathogenic. Review status: criteria provided, multiple submitters, no conflicts (2 of 4 stars). 5 submissions from 5 submitters: Pathogenic (3); Likely pathogenic (1). 1 of the submissions does not count toward it. Last evaluated 2023-12-12.

Conditions:
Classic or attenuated familial adenomatous polyposis. Identifiers: MedGen CN372698, MONDO:0021057.
Hereditary cancer-predisposing syndrome. Also called: Hereditary neoplastic syndrome; Tumor predisposition; Hereditary Cancer Syndrome; Neoplastic Syndromes, Hereditary. Identifiers: Orphanet 140162, MedGen C0027672, MeSH D009386, MONDO:0015356.
Familial adenomatous polyposis 1 (FAP1). Also called: FAMILIAL ADENOMATOUS POLYPOSIS 1, ATTENUATED; POLYPOSIS, ADENOMATOUS INTESTINAL. Identifiers: MedGen C2713442, MONDO:0021056, OMIM 175100. Disease mechanism: loss of function.

Submissions (5):

All of Us Research Program, National Institutes of Health
Classification: Likely pathogenic for Classic or attenuated familial adenomatous polyposis. Last evaluated: 2023-12-12. Review status: criteria provided, single submitter. Criteria: ACMG Guidelines, 2015. Collection method: clinical testing. Allele origin: germline. Inheritance: Autosomal dominant inheritance. Observed: 1 variant allele, 1 heterozygote.
Comment: The c.7270_7273del (p.Ser2424Valfs*13) variant in the APC gene is located on the exon 16 and is predicted to shift the reading frame that introduces a premature translation termination codon (p.Ser2424Valfs*13), resulting in an absent or disrupted protein product. Loss-of-function variants of APC are known to be pathogenic (PMID: 26446593, 23159591, 31591141, 33769591). The variant is reported in ClinVar (ID: 492671). The variant is absent in the general population database (gnomAD). Therefore, the c.7270_7273del (p.Ser2424Valfs*13) variant of APC gene has been classified as likely pathogenic.

This study involves interpretation of variants in research participants for the purpose of population health screening. Participant phenotype was not available at the time of variant classification. Additional details can be found in publication PMID: 35346344, PMCID: PMC8962531

Ambry Genetics
Classification: Pathogenic for Hereditary cancer-predisposing syndrome. Last evaluated: 2023-11-02. Review status: criteria provided, single submitter. Criteria: Ambry Variant Classification Scheme 2023. Collection method: clinical testing. Allele origin: germline.
Comment: The c.7270_7273delTCAA pathogenic mutation, located in coding exon 15 of the APC gene, results from a deletion of 4 nucleotides at nucleotide positions 7270 to 7273, causing a translational frameshift with a predicted alternate stop codon (p.S2424Vfs*13). This alteration occurs at the 3' terminus of theAPC gene, is not expected to trigger nonsense-mediated mRNA decay, and impacts 14.8% of the protein. However, premature stop codons are typically deleterious in nature and the impacted region is critical for protein function and a significant portion of the protein is affected (Ambry internal data). Based on the supporting evidence, this alteration is interpreted as a disease-causing mutation

Myriad Genetics, Inc.
Classification: Pathogenic for Familial adenomatous polyposis 1. Last evaluated: 2023-05-16. Review status: criteria provided, single submitter. Criteria: Myriad Autosomal Dominant, Autosomal Recessive and X-Linked Classification Criteria (2023). Collection method: clinical testing. Allele origin: unknown.
Comment: This variant is considered pathogenic. This variant creates a frameshift predicted to result in premature protein truncation.

Labcorp Genetics (formerly Invitae), Labcorp
Classification: Pathogenic for Familial adenomatous polyposis 1. Last evaluated: 2019-09-14. Review status: criteria provided, single submitter. Criteria: Invitae Variant Classification Sherloc (09022015). Collection method: clinical testing. Allele origin: germline.
Comment: This sequence change results in a premature translational stop signal in the APC gene (p.Ser2424Valfs*13). While this is not anticipated to result in nonsense mediated decay, it is expected to disrupt the last 420 amino acids of the APC protein. This variant is not present in population databases (ExAC no frequency). This variant has not been reported in the literature in individuals with APC-related conditions. ClinVar contains an entry for this variant (Variation ID: 492671). A different truncation (p.Tyr2645Lysfs*14) that lies downstream of this variant has been determined to be pathogenic (PMID: 9824584, 1316610, 27081525, 8381579, 22135120, Invitae). This suggests that deletion of this region of the APC protein is causative of disease. For these reasons, this variant has been classified as Pathogenic. This variant is expected to disrupt the EB1 and HDLG binding sites, which mediate interactions with the cytoskeleton (PMID: 15311282, 17293347). While functional studies have not been performed to directly test the effect on APC protein function, this suggests that disruption of the C-terminal portion of the protein is functionally important.

Mayo Clinic Laboratories, Mayo Clinic
Classification: Likely pathogenic. Review status: no assertion criteria provided. Collection method: clinical testing. Allele origin: unknown. Not counted in ClinVar's aggregate classification.

Literature cited by the submitters: PubMed 23159591 (cited by All of Us Research Program, National Institutes of Health); PubMed 26446593 (cited by All of Us Research Program, National Institutes of Health); PubMed 31591141 (cited by All of Us Research Program, National Institutes of Health); PubMed 33769591 (cited by All of Us Research Program, National Institutes of Health); PubMed 9824584 (cited by Labcorp Genetics (formerly Invitae), Labcorp); PubMed 1316610 (cited by Labcorp Genetics (formerly Invitae), Labcorp); PubMed 27081525 (cited by Labcorp Genetics (formerly Invitae), Labcorp); PubMed 8381579 (cited by Labcorp Genetics (formerly Invitae), Labcorp); PubMed 22135120 (cited by Labcorp Genetics (formerly Invitae), Labcorp); PubMed 15311282 (cited by Labcorp Genetics (formerly Invitae), Labcorp); PubMed 17293347 (cited by Labcorp Genetics (formerly Invitae), Labcorp).

NM_000038.6(APC):c.7270_7273del (p.Ser2424fs)

Gene: APC (APC regulator of Wnt signaling pathway; plus strand). Cytogenetic location: 5q22.2.
Variant type: Deletion.
Coding change: c.7270_7273del on transcript NM_000038.6 (MANE Select); coding-DNA positions 7270 to 7273, 4 bases deleted (TCAA; older notation c.7270_7273delTCAA).
Protein change: p.Ser2424fs; shifts the reading frame from serine 2424.
Molecular consequence: frameshift variant.
Genome position (GRCh38, 1-based): chr5:112,842,864-112,842,867, TCAA deleted; deleting any 4 consecutive bases within chr5:112,842,862-112,842,867 gives the same sequence; the c. name uses the placement nearest the transcript's 3' end. VCF-style (leftmost placement, unchanged base first): chr5-112842861-AAATC-A. GRCh37 (hg19) VCF-style: chr5-112178558-AAATC-A.
Other names: c.7270_7273del, p.Ser2424fs (NM_001354895.2, NM_001127510.3); c.7324_7327del, p.Ser2442fs (NM_001354896.2); c.7300_7303del, p.Ser2434fs (NM_001354897.2); c.7216_7219del, p.Ser2406fs (NM_001127511.3); c.7195_7198del, p.Ser2399fs (NM_001354898.2); c.7186_7189del, p.Ser2396fs (NM_001354899.2); c.7147_7150del, p.Ser2383fs (NM_001354900.2); c.7093_7096del, p.Ser2365fs (NM_001354901.2); and 6 more; short protein forms S2141fs, S2333fs, S2365fs, S2298fs, S2323fs, S2383fs, S2396fs, S2424fs.
Identifiers: ClinVar variation 492671 (VCV000492671.20), dbSNP rs1469278346, ClinGen allele CA658683427.
Genomic context (GRCh38, chr5:112,842,861, plus strand): 5'-CAGATGAATAATGGTAATGGAGCCAATAAAAAGGTAGAACTTTCTAGAATGTCTTCAACT[AAATC>A]AAGTGGAAGTGAATCTGATAGATCAGAAAGACCTGTATTAGTACGCCAGTCAACTTTCAT-3'